The following is an entry in ClinVar:

NM_001378964.1(CDON):c.2868C>A (p.Thr956=)

Gene: CDON (cell adhesion associated, oncogene regulated; minus strand). Cytogenetic location: 11q24.2.
Variant type: single nucleotide variant.
Coding change: c.2868C>A on transcript NM_001378964.1 (MANE Select); coding-DNA position 2868, C replaced by A.
Protein change: p.Thr956=; no amino-acid change (threonine 956 retained).
Molecular consequence: synonymous variant.
Genome position (GRCh38, 1-based): chr11:125,983,999, G>T on the plus strand (C>A on the coding strand, the complement: CDON is on the minus strand). VCF-style: chr11-125983999-G-T. GRCh37 (hg19) VCF-style: chr11-125853894-G-T.
Other names: c.2868C>A, p.Thr956= (NM_001243597.3, NM_016952.6).
Identifiers: ClinVar variation 2070582 (VCV002070582.22), dbSNP rs555794519, ClinGen allele CA6351585.

ClinVar aggregate classification (germline): Benign/Likely benign. Review status: criteria provided, multiple submitters, no conflicts (2 of 4 stars). 2 submissions from 2 submitters: Benign (1); Likely benign (1). Last evaluated 2025-07-27.

Conditions:
Holoprosencephaly 11 (HPE11). Identifiers: Orphanet 2162, MedGen C3280215, MONDO:0013642, OMIM 614226.

Allele frequency attached by ClinVar (database versions not stated): TOPMed 0.00003; gnomAD 0.00011; gnomAD exomes 0.00013; ExAC 0.00025; 1000 Genomes Project 0.00120; 1000 Genomes Project 30x 0.00156.
gnomAD v4.1: 201 of 1,614,062 alleles (0.012%); highest among the groups gnomAD compares: South Asian, 0.21%; 3 homozygotes.

Submissions (2):

Labcorp Genetics (formerly Invitae), Labcorp
Classification: Benign for Holoprosencephaly 11. Last evaluated: 2025-07-27. Review status: criteria provided, single submitter. Criteria: Invitae Variant Classification Sherloc (09022015). Collection method: clinical testing. Allele origin: germline.

CeGaT Center for Human Genetics Tuebingen
Classification: Likely benign. Last evaluated: 2024-06-01. Review status: criteria provided, single submitter. Criteria: CeGaT Center For Human Genetics Tuebingen Variant Classification Criteria Version 2. Collection method: clinical testing. Allele origin: germline. Affected: yes. Observed: 1 variant allele.
Comment: CDON: BP4, BP7